The following is an entry in ClinVar:

ClinVar aggregate classification (germline): Conflicting classifications of pathogenicity. Review status: criteria provided, conflicting classifications (1 of 4 stars). 2 submissions from 2 submitters: Uncertain significance (1); Likely benign (1). Last evaluated 2024-09-20.

Conditions:
Neuronopathy, distal hereditary motor, autosomal dominant 11. Also called: NEUROPATHY, DISTAL HEREDITARY MOTOR, 11. Identifiers: MedGen C5882697, MONDO:0957875, OMIM 620528.
Spastic paraplegia 91, autosomal dominant, with or without cerebellar ataxia (SPG91). Identifiers: MedGen C5882701, MONDO:0957813, OMIM 620538.
Developmental delay with or without epilepsy (DEVEP). Identifiers: MedGen C5882702, MONDO:0957815, OMIM 620540.
Developmental and epileptic encephalopathy, 5 (DEE5). Identifiers: Orphanet 3451, MedGen C3150731, MONDO:0013277, OMIM 613477.
Early-infantile DEE. Also called: Early infantile epileptic encephalopathy; Early infantile epileptic encephalopathy with suppression bursts; Ohtahara syndrome. Identifiers: Orphanet 1934, MedGen C0393706, MONDO:0800491.

Submissions (2):

3billion
Classification: Likely benign for Developmental and epileptic encephalopathy, 5; Developmental delay with or without epilepsy; Neuronopathy, distal hereditary motor, autosomal dominant 11; Spastic paraplegia 91, autosomal dominant, with or without cerebellar ataxia. Last evaluated: 2024-09-20. Review status: criteria provided, single submitter. Criteria: ACMG Guidelines, 2015. Collection method: clinical testing. Allele origin: germline. Affected: no.
Comment: The variant was identified in at least one patient who was diagnosed with a different variant in another gene and showed no symptoms related to the gene containing the variant in question.

Labcorp Genetics (formerly Invitae), Labcorp
Classification: Uncertain significance for Early-infantile DEE. Last evaluated: 2022-09-19. Review status: criteria provided, single submitter. Criteria: Invitae Variant Classification Sherloc (09022015). Collection method: clinical testing. Allele origin: germline.
Comment: In summary, the available evidence is currently insufficient to determine the role of this variant in disease. Therefore, it has been classified as a Variant of Uncertain Significance. This sequence change replaces methionine, which is neutral and non-polar, with valine, which is neutral and non-polar, at codon 2067 of the SPTAN1 protein (p.Met2067Val). This variant is not present in population databases (gnomAD no frequency). This variant has not been reported in the literature in individuals affected with SPTAN1-related conditions. Algorithms developed to predict the effect of missense changes on protein structure and function (SIFT, PolyPhen-2, Align-GVGD) all suggest that this variant is likely to be tolerated.

NM_001130438.3(SPTAN1):c.6199A>G (p.Met2067Val)

Gene: SPTAN1 (spectrin alpha, non-erythrocytic 1; plus strand). Cytogenetic location: 9q34.11.
Variant type: single nucleotide variant.
Coding change: c.6199A>G on transcript NM_001130438.3 (MANE Select); coding-DNA position 6199, A replaced by G.
Protein change: p.Met2067Val; replaces methionine 2067 with valine.
Molecular consequence: missense variant.
Genome position (GRCh38, 1-based): chr9:128,625,898, A>G. VCF-style: chr9-128625898-A-G. GRCh37 (hg19) VCF-style: chr9-131388177-A-G.
Other names: c.6124A>G, p.Met2042Val (NM_001195532.2); c.6199A>G, p.Met2067Val (NM_001363759.2, NM_001375310.1, NM_001375311.2 and 1 more transcripts); c.6139A>G, p.Met2047Val (NM_001363765.2, NM_001375314.2); c.6235A>G, p.Met2079Val (NM_001375312.2, NM_001375318.1); c.6184A>G, p.Met2062Val (NM_003127.4); short protein forms M2062V, M2047V, M2067V, M2042V, M2079V.
Identifiers: ClinVar variation 1962315 (VCV001962315.6), dbSNP rs1317904463, ClinGen allele CA375086977.